The following is an entry in ClinVar:

NM_006648.4(WNK2):c.6200T>C (p.Val2067Ala)

Gene: WNK2 (WNK lysine deficient protein kinase 2; plus strand). Cytogenetic location: 9q22.31.
Variant type: single nucleotide variant.
Coding change: c.6200T>C on transcript NM_006648.4 (MANE Select); coding-DNA position 6200, T replaced by C.
Protein change: p.Val2067Ala; replaces valine 2067 with alanine.
Molecular consequence: missense variant.
Genome position (GRCh38, 1-based): chr9:93,300,135, T>C. VCF-style: chr9-93300135-T-C. GRCh37 (hg19) VCF-style: chr9-96062417-T-C.
Other names: c.6311T>C, p.Val2104Ala (NM_001282394.3); short protein forms V2067A, V2104A.
Identifiers: ClinVar variation 5031845 (VCV005031845.1).
Genomic context (GRCh38, chr9:93,300,135, plus strand): 5'-CTGAGAGAGTGACCTATAAGTCTAGTAGCAAACCTCGTGCTCGATTCCTCAGTGGACCCG[T>C]ATCTGTGTCCATCTGTCTGTATTTGTTCTTTTGTATTTTATCACCTCCTGGCCCTTGGTT-3'
Protein context (NP_006639.3, residues 2057-2077): KPRARFLSGP[Val2067Ala]SVSIWSALKR

ClinVar aggregate classification (germline): Uncertain significance (1 of 4 stars; one submission).

gnomAD v4.1: 1 of 1,612,756 alleles (0.000062%); highest among the groups gnomAD compares: Non-Finnish European, 0.000085%; no homozygotes.

Submission:

Ambry Genetics
Classification: Uncertain significance. Last evaluated: 2026-07-11. Review status: criteria provided, single submitter. Criteria: Ambry Variant Classification Scheme 2023. Collection method: clinical testing. Allele origin: germline.
Comment: The p.V2067A variant (also known as c.6200T>C), located in coding exon 25 of the WNK2 gene, results from a T to C substitution at nucleotide position 6200. The valine at codon 2067 is replaced by alanine, an amino acid with similar properties. This amino acid position is conserved. In addition, the in silico prediction for this alteration is inconclusive. Based on the available evidence, the clinical significance of this variant remains unclear.